The following is an entry in ClinVar:

ClinVar aggregate classification (germline): Uncertain significance (1 of 4 stars; one submission).

Submission:

GeneDx
Classification: Uncertain significance. Last evaluated: 2023-03-30. Review status: criteria provided, single submitter. Criteria: GeneDx Variant Classification Process June 2021. Collection method: clinical testing. Allele origin: germline. Affected: yes.
Comment: Not observed at significant frequency in large population cohorts (gnomAD); In silico analysis supports that this missense variant has a deleterious effect on protein structure/function; Has not been previously published as pathogenic or benign to our knowledge

NM_001170629.2(CHD8):c.2936C>T (p.Pro979Leu)

Gene: CHD8 (chromodomain helicase DNA binding protein 8; minus strand). Cytogenetic location: 14q11.2.
Variant type: single nucleotide variant.
Coding change: c.2936C>T on transcript NM_001170629.2 (MANE Select); coding-DNA position 2936, C replaced by T.
Protein change: p.Pro979Leu; replaces proline 979 with leucine.
Molecular consequence: missense variant.
Genome position (GRCh38, 1-based): chr14:21,405,836, G>A on the plus strand (C>T on the coding strand, the complement: CHD8 is on the minus strand). VCF-style: chr14-21405836-G-A. GRCh37 (hg19) VCF-style: chr14-21873995-G-A.
Other names: c.2099C>T, p.Pro700Leu (NM_020920.4); short protein forms P700L, P979L.
Identifiers: ClinVar variation 2581900 (VCV002581900.1), dbSNP rs2501913450, ClinGen allele CA388903684.